The following is an entry in ClinVar:

ClinVar aggregate classification (germline): Benign. Review status: criteria provided, multiple submitters, no conflicts (2 of 4 stars). 3 submissions from 2 submitters: Benign (3). Last evaluated 2018-01-13.

Conditions:
Hypertrophic osteoarthropathy, primary, autosomal recessive, 1 (PHOAR1). Also called: PHO, AUTOSOMAL RECESSIVE. Identifiers: Orphanet 1525, Orphanet 2796, MedGen C4551679, MONDO:0024546, OMIM 259100.
Isolated congenital digital clubbing. Also called: ACROPACHY, HEREDITARY; CLUBBING OF DIGITS. Identifiers: Orphanet 217059, MedGen C0345408, MONDO:0007343, OMIM 119900.

Allele frequency attached by ClinVar (database versions not stated): 1000 Genomes Project 30x 0.75344; 1000 Genomes Project 0.75579; gnomAD exomes 0.76812; TOPMed 0.78328; gnomAD 0.78493 and 0.79041.
gnomAD v4.1: 119,022 of 151,718 alleles (78%); highest among the groups gnomAD compares: East Asian, 82%; 46,869 homozygotes.

Submissions (3):

Illumina Laboratory Services, Illumina
Classification: Benign for Isolated congenital digital clubbing. Last evaluated: 2018-01-13. Review status: criteria provided, single submitter. Criteria: ICSL Variant Classification Criteria 13 December 2019. Collection method: clinical testing. Allele origin: germline.
Comment: This variant was observed in the ICSL laboratory as part of a predisposition screen in an ostensibly healthy population. It had not been previously curated by ICSL or reported in the Human Gene Mutation Database (HGMD: prior to June 1st, 2018), and was therefore a candidate for classification through an automated scoring system. Utilizing variant allele frequency, disease prevalence and penetrance estimates, and inheritance mode, an automated score was calculated to assess if this variant is too frequent to cause the disease. Based on the score and internal cut-off values, a variant classified as benign is not then subjected to further curation. The score for this variant resulted in a classification of benign for this disease.

Illumina Laboratory Services, Illumina
Classification: Benign for Hypertrophic osteoarthropathy, primary, autosomal recessive, 1. Last evaluated: 2018-01-13. Review status: criteria provided, single submitter. Criteria: ICSL Variant Classification Criteria 13 December 2019. Collection method: clinical testing. Allele origin: germline.
Comment: the same text as in the submission from Illumina Laboratory Services, Illumina above.

Breakthrough Genomics
Classification: Benign. Review status: criteria provided, single submitter. Criteria: ACMG Guidelines, 2015. Collection method: not provided. Allele origin: germline. Inheritance: Autosomal recessive inheritance. Affected: yes.

NM_000860.6(HPGD):c.*1725G>A

Gene: HPGD (15-hydroxyprostaglandin dehydrogenase; minus strand). Cytogenetic location: 4q34.1.
Variant type: single nucleotide variant.
Coding change: c.*1725G>A on transcript NM_000860.6 (MANE Select); 1725 bases downstream of the stop codon, G replaced by A.
Molecular consequence: 3 prime UTR variant.
Genome position (GRCh38, 1-based): chr4:174,490,231, C>T on the plus strand (G>A on the coding strand, the complement: HPGD is on the minus strand). VCF-style: chr4-174490231-C-T. GRCh37 (hg19) VCF-style: chr4-175411382-C-T.
Other names: c.*1825G>A (NM_001145816.3); c.*1725G>A (NM_001256301.1, NM_001256306.2, NM_001256307.2); c.*1853G>A (NM_001256305.2).
Identifiers: ClinVar variation 348170 (VCV000348170.6), dbSNP rs2555660, ClinGen allele CA10620463.